The following is an entry in ClinVar:

NM_000289.6(PFKM):c.1925A>G (p.Asn642Ser)

Gene: PFKM (phosphofructokinase, muscle; plus strand). Cytogenetic location: 12q13.11.
Variant type: single nucleotide variant.
Coding change: c.1925A>G on transcript NM_000289.6 (MANE Select); coding-DNA position 1925, A replaced by G.
Protein change: p.Asn642Ser; replaces asparagine 642 with serine.
Molecular consequence: missense variant. On other transcripts: non-coding transcript variant (6).
Genome position (GRCh38, 1-based): chr12:48,144,090, A>G. VCF-style: chr12-48144090-A-G. GRCh37 (hg19) VCF-style: chr12-48537873-A-G.
Other names: c.2138A>G, p.Asn713Ser (NM_001166686.2, NM_001354737.1, NM_001354738.1 and 1 more transcripts); c.1925A>G, p.Asn642Ser (NM_001166687.2, NM_001166688.2, NM_001354742.2 and 2 more transcripts); c.2234A>G, p.Asn745Ser (NM_001354735.1, NM_001354736.1); c.2069A>G, p.Asn690Ser (NM_001354740.1); c.1949A>G, p.Asn650Ser (NM_001354741.2); c.1838A>G, p.Asn613Ser (NM_001354745.2); c.1799A>G, p.Asn600Ser (NM_001354746.2); c.1775A>G, p.Asn592Ser (NM_001354747.2, NM_001354748.2); and 2 more; short protein forms N592S, N600S, N611S, N613S, N642S, N650S, N690S, N713S.
Identifiers: ClinVar variation 1330385 (VCV001330385.12), dbSNP rs141550921, ClinGen allele CA6537477.

ClinVar aggregate classification (germline): Uncertain significance. Review status: criteria provided, multiple submitters, no conflicts (2 of 4 stars). 4 submissions from 4 submitters: Uncertain significance (4). Last evaluated 2024-06-07.

Conditions:
Inborn genetic diseases. Identifiers: MedGen C0950123, MeSH D030342.
Glycogen storage disease, type VII (GSD7). Also called: GSD VII; MUSCLE PHOSPHOFRUCTOKINASE DEFICIENCY; TARUI DISEASE; PFKM DEFICIENCY. Identifiers: Orphanet 371, MedGen C0017926, MONDO:0009295, OMIM 232800.

Allele frequency attached by ClinVar (database versions not stated): ExAC 0.00002; gnomAD exomes 0.00003; gnomAD 0.00009 and 0.00011; ESP Exome Variant Server 0.00015; TOPMed 0.00026.
gnomAD v4.1: 56 of 1,613,920 alleles (0.0035%); highest among the groups gnomAD compares: Admixed American, 0.03%; no homozygotes.

Submissions (4):

Ambry Genetics
Classification: Uncertain significance for Inborn genetic diseases. Last evaluated: 2024-06-07. Review status: criteria provided, single submitter. Criteria: Ambry Variant Classification Scheme 2023. Collection method: clinical testing. Allele origin: germline.

Revvity Omics, Revvity
Classification: Uncertain significance for Glycogen storage disease, type VII. Last evaluated: 2023-03-26. Review status: criteria provided, single submitter. Criteria: ACMG Guidelines, 2015. Collection method: clinical testing. Allele origin: germline.

Labcorp Genetics (formerly Invitae), Labcorp
Classification: Uncertain significance for Glycogen storage disease, type VII. Last evaluated: 2022-08-21. Review status: criteria provided, single submitter. Criteria: Invitae Variant Classification Sherloc (09022015). Collection method: clinical testing. Allele origin: germline.
Comment: This sequence change replaces asparagine, which is neutral and polar, with serine, which is neutral and polar, at codon 642 of the PFKM protein (p.Asn642Ser). This variant is present in population databases (rs141550921, gnomAD 0.02%). This variant has not been reported in the literature in individuals affected with PFKM-related conditions. ClinVar contains an entry for this variant (Variation ID: 1330385). Algorithms developed to predict the effect of missense changes on protein structure and function (SIFT, PolyPhen-2, Align-GVGD) all suggest that this variant is likely to be tolerated. Algorithms developed to predict the effect of sequence changes on RNA splicing suggest that this variant may create or strengthen a splice site. In summary, the available evidence is currently insufficient to determine the role of this variant in disease. Therefore, it has been classified as a Variant of Uncertain Significance.

ARUP Laboratories, Molecular Genetics and Genomics, ARUP Laboratories
Classification: Uncertain significance for Glycogen storage disease, type VII. Last evaluated: 2021-04-16. Review status: criteria provided, single submitter. Criteria: ARUP Molecular Germline Variant Investigation Process 2021. Collection method: clinical testing. Allele origin: germline.